The following is an entry in ClinVar:

NM_002087.4(GRN):c.1721G>A (p.Arg574His)

Gene: GRN (granulin precursor; plus strand). Cytogenetic location: 17q21.31.
Variant type: single nucleotide variant.
Coding change: c.1721G>A on transcript NM_002087.4 (MANE Select); coding-DNA position 1721, G replaced by A.
Protein change: p.Arg574His; replaces arginine 574 with histidine.
Molecular consequence: missense variant.
Genome position (GRCh38, 1-based): chr17:44,352,737, G>A. VCF-style: chr17-44352737-G-A. GRCh37 (hg19) VCF-style: chr17-42430105-G-A.
Other names: c.1721G>A (NM_002087.3); short protein forms R574H.
Identifiers: ClinVar variation 1009582 (VCV001009582.25), dbSNP rs756117423, ClinGen allele CA8602286.

ClinVar aggregate classification (germline): Uncertain significance. Review status: criteria provided, multiple submitters, no conflicts (2 of 4 stars). 4 submissions from 4 submitters: Uncertain significance (4). Last evaluated 2025-03-12.

Conditions:
GRN-related disorder. Also called: GRN-related disorders; GRN-related condition.
Inborn genetic diseases. Identifiers: MedGen C0950123, MeSH D030342.
Neuronal ceroid lipofuscinosis 11. Also called: GRN-Related Neuronal Ceroid-Lipofuscinosis. Identifiers: Orphanet 314629, Orphanet 79262, MedGen C3539123, MONDO:0013866, OMIM 614706.
GRN-related frontotemporal lobar degeneration with Tdp43 inclusions (FTD2). Also called: DEMENTIA, HEREDITARY DYSPHASIC DISINHIBITION; FRONTOTEMPORAL LOBAR DEGENERATION WITH UBIQUITIN-POSITIVE INCLUSIONS; FTLD-TDP, GRN-RELATED; FRONTOTEMPORAL DEMENTIA WITH TDP43 INCLUSIONS, GRN-RELATED; GRN Frontotemporal Dementia. Identifiers: Orphanet 100070, Orphanet 282, MedGen C1843792, MONDO:0011842, OMIM 607485. Disease mechanism: loss of function.

Allele frequency attached by ClinVar (database versions not stated): gnomAD exomes 0.00001 and 0.00002; TOPMed 0.00001; ExAC 0.00003; gnomAD 0.00003 and 0.00004.
gnomAD v4.1: 25 of 1,611,492 alleles (0.0016%); highest among the groups gnomAD compares: East Asian, 0.013%; no homozygotes.

Submissions (4):

Labcorp Genetics (formerly Invitae), Labcorp
Classification: Uncertain significance for Neuronal ceroid lipofuscinosis 11; GRN-related frontotemporal lobar degeneration with Tdp43 inclusions. Last evaluated: 2025-03-12. Review status: criteria provided, single submitter. Criteria: Invitae Variant Classification Sherloc (09022015). Collection method: clinical testing. Allele origin: germline.
Comment: This sequence change replaces arginine, which is basic and polar, with histidine, which is basic and polar, at codon 574 of the GRN protein (p.Arg574His). The frequency data for this variant in the population databases is considered unreliable, as metrics indicate poor data quality at this position in the gnomAD database. This missense change has been observed in individual(s) with amyotrophic lateral sclerosis (PMID: 25558820). ClinVar contains an entry for this variant (Variation ID: 1009582). Invitae Evidence Modeling of protein sequence and biophysical properties (such as structural, functional, and spatial information, amino acid conservation, physicochemical variation, residue mobility, and thermodynamic stability) indicates that this missense variant is not expected to disrupt GRN protein function with a negative predictive value of 80%. In summary, the available evidence is currently insufficient to determine the role of this variant in disease. Therefore, it has been classified as a Variant of Uncertain Significance.

PreventionGenetics, part of Exact Sciences
Classification: Uncertain significance for GRN-related condition. Last evaluated: 2024-10-07. Review status: criteria provided, single submitter. Criteria: ACMG Guidelines, 2015. Collection method: clinical testing. Allele origin: germline.
Comment: The GRN c.1721G>A variant is predicted to result in the amino acid substitution p.Arg574His. This variant has been observed in a cohort of subjects with amyotrophic lateral sclerosis, parkinsonism and/or dementia complex (Steele et al. 2015. PubMed ID: 25558820). This variant is reported in 0.015% of alleles in individuals of East Asian descent in gnomAD. At this time, the clinical significance of this variant is uncertain due to the absence of conclusive functional and genetic evidence.

CeGaT Center for Human Genetics Tuebingen
Classification: Uncertain significance. Last evaluated: 2024-10-01. Review status: criteria provided, single submitter. Criteria: CeGaT Center For Human Genetics Tuebingen Variant Classification Criteria Version 2. Collection method: clinical testing. Allele origin: germline. Affected: yes. Observed: 1 variant allele.
Comment: GRN: PM2, BP4

Ambry Genetics
Classification: Uncertain significance for Inborn genetic diseases. Last evaluated: 2018-12-03. Review status: criteria provided, single submitter. Criteria: Ambry Variant Classification Scheme 2023. Collection method: clinical testing. Allele origin: germline.
Comment: The p.R574H variant (also known as c.1721G>A), located in coding exon 12 of the GRN gene, results from a G to A substitution at nucleotide position 1721. The arginine at codon 574 is replaced by histidine, an amino acid with highly similar properties. This variant was report in an individual with advanced amyotrophic lateral sclerosis (Steele JC et al. Ann. Neurol., 2015 Mar;77:458-68). This amino acid position is poorly conserved in available vertebrate species. In addition, this alteration is predicted to be tolerated by in silico analysis. Based on available evidence to date, the clinical significance of this alteration remains unclear.

Literature cited by the submitters: PubMed 25558820 (cited by Labcorp Genetics (formerly Invitae), Labcorp and Ambry Genetics).